The following is an entry in ClinVar:

ClinVar aggregate classification (germline): Pathogenic. Review status: criteria provided, single submitter (1 of 4 stars). 2 submissions from 2 submitters: Pathogenic (1). 1 of the submissions does not count toward it. Last evaluated 2021-12-26.

Conditions:
Primary ciliary dyskinesia. Also called: Ciliary dyskinesia. Identifiers: Orphanet 244, MedGen C0008780, MONDO:0016575, HP:0012265.

Allele frequency attached by ClinVar (database versions not stated): TOPMed below 0.00001; gnomAD exomes 0.00001.
gnomAD v4.1: 8 of 1,554,344 alleles (0.00051%); highest among the groups gnomAD compares: Non-Finnish European, 0.00062%; no homozygotes.

Submissions (2):

Labcorp Genetics (formerly Invitae), Labcorp
Classification: Pathogenic for Primary ciliary dyskinesia. Last evaluated: 2021-12-26. Review status: criteria provided, single submitter. Criteria: Invitae Variant Classification Sherloc (09022015). Collection method: clinical testing. Allele origin: germline.
Comment: For these reasons, this variant has been classified as Pathogenic. Disruption of this splice site has been observed in individual(s) with primary ciliary dyskinesia (PMID: 30067075; Invitae). This variant is present in population databases (no rsID available, gnomAD 0.0009%). This sequence change affects an acceptor splice site in intron 26 of the DNAH5 gene. It is expected to disrupt RNA splicing. Variants that disrupt the donor or acceptor splice site typically lead to a loss of protein function (PMID: 16199547), and loss-of-function variants in DNAH5 are known to be pathogenic (PMID: 11788826, 16627867).

Yale Center for Mendelian Genomics, Yale University
Classification: Likely pathogenic for Primary ciliary dyskinesia. Last evaluated: 2018-08-01. Review status: no assertion criteria provided. Collection method: literature only. Allele origin: germline. Affected: yes. Observed: 1 compound heterozygote. Study: Yale Center for Mendelian Genomics. Not counted in ClinVar's aggregate classification.

Literature cited by the submitters: PubMed 30067075 (cited by Labcorp Genetics (formerly Invitae), Labcorp and Yale Center for Mendelian Genomics, Yale University); PubMed 16199547 (cited by Labcorp Genetics (formerly Invitae), Labcorp); PubMed 11788826 (cited by Labcorp Genetics (formerly Invitae), Labcorp); PubMed 16627867 (cited by Labcorp Genetics (formerly Invitae), Labcorp).

NM_001369.3(DNAH5):c.4117-2A>G

Genes: DNAH5 (dynein axonemal heavy chain 5; minus strand), DNAH5-AS1 (DNAH5 antisense RNA 1; plus strand). Cytogenetic location: 5p15.2.
Variant type: single nucleotide variant.
Coding change: c.4117-2A>G on transcript NM_001369.3 (MANE Select); the canonical splice acceptor site of the intron before coding-DNA position 4117, A replaced by G.
Molecular consequence: splice acceptor variant.
Genome position (GRCh38, 1-based): chr5:13,865,908, T>C on the plus strand (A>G on the coding strand, the complement: DNAH5 is on the minus strand). VCF-style: chr5-13865908-T-C. GRCh37 (hg19) VCF-style: chr5-13866017-T-C.
Identifiers: ClinVar variation 1344587 (VCV001344587.6), dbSNP rs1467301649, ClinGen allele CA359225886.